The following is an entry in ClinVar:

NM_001267550.2(TTN):c.74961C>T (p.Asn24987=)

Genes: TTN (titin; minus strand), TTN-AS1 (TTN antisense RNA 1; plus strand). Cytogenetic location: 2q31.2.
Variant type: single nucleotide variant.
Coding change: c.74961C>T on transcript NM_001267550.2 (MANE Select); coding-DNA position 74961, C replaced by T.
Protein change: p.Asn24987=; no amino-acid change (asparagine 24987 retained).
Molecular consequence: synonymous variant.
Genome position (GRCh38, 1-based): chr2:178,571,171, G>A on the plus strand (C>T on the coding strand, the complement: TTN is on the minus strand). VCF-style: chr2-178571171-G-A. GRCh37 (hg19) VCF-style: chr2-179435898-G-A.
Other names: c.67257C>T, p.Asn22419= (NM_133378.4); c.70038C>T, p.Asn23346= (NM_001256850.1); c.47766C>T, p.Asn15922= (NM_003319.4); c.48141C>T, p.Asn16047= (NM_133432.3); c.48342C>T, p.Asn16114= (NM_133437.4).
Identifiers: ClinVar variation 228141 (VCV000228141.26), dbSNP rs754043680, ClinGen allele CA1990121.

ClinVar aggregate classification (germline): Conflicting classifications of pathogenicity. Review status: criteria provided, conflicting classifications (1 of 4 stars). 12 submissions from 8 submitters: Uncertain significance (3); Likely benign (9). Last evaluated 2026-09-21.

Conditions:
TTN-related disorder. Also called: TTN-related condition; TTN-related disease; TTN-related disorders.
Cardiovascular phenotype. Identifiers: MedGen CN230736.
Autosomal recessive limb-girdle muscular dystrophy type 2J (LGMDR10). Also called: Limb-girdle muscular dystrophy, type 2J; MUSCULAR DYSTROPHY, LIMB-GIRDLE, AUTOSOMAL RECESSIVE 10. Identifiers: Orphanet 140922, MedGen C1837342, MONDO:0012127, OMIM 608807.
Dilated cardiomyopathy 1G (CMD1G). Identifiers: Orphanet 154, MedGen C1858763, MONDO:0011400, OMIM 604145.
Early-onset myopathy with fatal cardiomyopathy (CMYO5). Also called: CONGENITAL MYOPATHY 5 WITH CARDIOMYOPATHY; Salih Myopathy. Identifiers: Orphanet 289377, MedGen C2673677, MONDO:0012714, OMIM 611705. Disease mechanism: loss of function.
Tibial muscular dystrophy (TMD). Also called: Tibial muscular dystrophy, tardive; UDD MYOPATHY; Udd Distal Myopathy – Tibial Muscular Dystrophy. Identifiers: Orphanet 609, MedGen C1838244, MONDO:0010870, OMIM 600334.
Myopathy, myofibrillar, 9, with early respiratory failure (MFM9). Also called: Hereditary myopathy with early respiratory failure; MYOPATHY, PROXIMAL, WITH EARLY RESPIRATORY MUSCLE INVOLVEMENT; Myopathy, distal, with early respiratory failure, autosomal dominant; EDSTROM MYOPATHY. Identifiers: Orphanet 178464, Orphanet 34521, MedGen C1863599, MONDO:0011362, OMIM 603689.

Allele frequency attached by ClinVar (database versions not stated): gnomAD exomes 0.00002 and 0.00003; gnomAD 0.00003 and 0.00004; ExAC 0.00004; TOPMed 0.00005.
gnomAD v4.1: 33 of 1,613,354 alleles (0.002%); highest among the groups gnomAD compares: Middle Eastern, 0.049%; no homozygotes.

Submissions (12):

Molecular Diagnostic Laboratory for Inherited Cardiovascular Disease, Montreal Heart Institute
Classification: Likely benign. Last evaluated: 2026-09-21. Review status: criteria provided, single submitter. Criteria: ACMG Guidelines, 2015. Collection method: clinical testing. Allele origin: germline. Affected: no.
Comment: BP7

Labcorp Genetics (formerly Invitae), Labcorp
Classification: Likely benign for Dilated cardiomyopathy 1G; Autosomal recessive limb-girdle muscular dystrophy type 2J. Last evaluated: 2026-02-02. Review status: criteria provided, single submitter. Criteria: Invitae Variant Classification Sherloc (09022015). Collection method: clinical testing. Allele origin: germline.

CeGaT Center for Human Genetics Tuebingen
Classification: Likely benign. Last evaluated: 2026-01-01. Review status: criteria provided, single submitter. Criteria: CeGaT Center For Human Genetics Tuebingen Variant Classification Criteria Version 2. Collection method: clinical testing. Allele origin: germline. Affected: yes. Observed: 1 variant allele.
Comment: TTN: BP4, BP7

PreventionGenetics, part of Exact Sciences
Classification: Likely benign for TTN-related condition. Last evaluated: 2025-07-15. Review status: criteria provided, single submitter. Criteria: ACMG Guidelines, 2015. Collection method: clinical testing. Allele origin: germline.
Comment: This variant is classified as likely benign based on ACMG/AMP sequence variant interpretation guidelines (Richards et al. 2015 PMID: 25741868, with internal and published modifications).

Blueprint Genetics
Classification: Likely benign. Last evaluated: 2024-01-11. Review status: criteria provided, single submitter. Criteria: ACMG Guidelines, 2015. Collection method: clinical testing. Allele origin: germline.

Ambry Genetics
Classification: Likely benign for Cardiovascular phenotype. Last evaluated: 2022-07-06. Review status: criteria provided, single submitter. Criteria: Ambry Variant Classification Scheme 2023. Collection method: clinical testing. Allele origin: germline.

Illumina Laboratory Services, Illumina
Classification: Uncertain significance for Early-onset myopathy with fatal cardiomyopathy. Last evaluated: 2018-01-12. Review status: criteria provided, single submitter. Criteria: ICSL Variant Classification Criteria 13 December 2019. Collection method: clinical testing. Allele origin: germline.

Illumina Laboratory Services, Illumina
Classification: Likely benign for Tibial muscular dystrophy. Last evaluated: 2018-01-12. Review status: criteria provided, single submitter. Criteria: ICSL Variant Classification Criteria 13 December 2019. Collection method: clinical testing. Allele origin: germline.
Comment: This variant was observed in the ICSL laboratory as part of a predisposition screen in an ostensibly healthy population. It had not been previously curated by ICSL or reported in the Human Gene Mutation Database (HGMD: prior to June 1st, 2018), and was therefore a candidate for classification through an automated scoring system. Utilizing variant allele frequency, disease prevalence and penetrance estimates, and inheritance mode, an automated score was calculated to assess if this variant is too frequent to cause the disease. Based on the score and internal cut-off values, a variant classified as likely benign is not then subjected to further curation. The score for this variant resulted in a classification of likely benign for this disease.

Illumina Laboratory Services, Illumina
Classification: Uncertain significance for Dilated cardiomyopathy 1G. Last evaluated: 2018-01-12. Review status: criteria provided, single submitter. Criteria: ICSL Variant Classification Criteria 13 December 2019. Collection method: clinical testing. Allele origin: germline.

Illumina Laboratory Services, Illumina
Classification: Likely benign for Myopathy, myofibrillar, 9, with early respiratory failure. Last evaluated: 2018-01-12. Review status: criteria provided, single submitter. Criteria: ICSL Variant Classification Criteria 13 December 2019. Collection method: clinical testing. Allele origin: germline.
Comment: the same text as in the submission from Illumina Laboratory Services, Illumina above.

Illumina Laboratory Services, Illumina
Classification: Uncertain significance for Autosomal recessive limb-girdle muscular dystrophy type 2J. Last evaluated: 2018-01-12. Review status: criteria provided, single submitter. Criteria: ICSL Variant Classification Criteria 13 December 2019. Collection method: clinical testing. Allele origin: germline.

Laboratory for Molecular Medicine, Mass General Brigham Personalized Medicine
Classification: Likely benign. Last evaluated: 2015-07-09. Review status: criteria provided, single submitter. Criteria: LMM Criteria. Collection method: clinical testing. Allele origin: germline. Observed: 1 variant allele.
Comment: p.Asn22419Asn in exon 275 of TTN: This variant is not expected to have clinical significance because it does not alter an amino acid residue and is not located within the splice consensus sequence. It has been identified in 5/66670 European chromosomes by the Exome Aggregation Consortium (ExAC).